The following is an entry in ClinVar:

NM_001277115.2(DNAH11):c.3002A>G (p.Asn1001Ser)

Genes: DNAH11 (dynein axonemal heavy chain 11; plus strand), LOC126859961 (BRD4-independent group 4 enhancer GRCh37_chr7:21639662-21640861; plus strand). Cytogenetic location: 7p15.3.
Variant type: single nucleotide variant.
Coding change: c.3002A>G on transcript NM_001277115.2 (MANE Select); coding-DNA position 3002, A replaced by G.
Protein change: p.Asn1001Ser; replaces asparagine 1001 with serine.
Molecular consequence: missense variant.
Genome position (GRCh38, 1-based): chr7:21,600,677, A>G. VCF-style: chr7-21600677-A-G. GRCh37 (hg19) VCF-style: chr7-21640295-A-G.
Other names: c.3002A>G, p.Asn1001Ser (NM_003777.3); short protein forms N1001S.
Identifiers: ClinVar variation 1798708 (VCV001798708.4), dbSNP rs1468087350, ClinGen allele CA366944892.
Genomic context (GRCh38, chr7:21,600,677, plus strand): 5'-GATAATTGGTAAAGTAAGGTTGGTTTGAATAGTAAGTGCTGTGTTTTCCTCTCATTTAGA[A>G]TGATATGGATAACATGTTAGGCCTGGCAGAGGTCAGGCAGGAGATCATGAACAGAGTGGT-3'
Protein context (NP_001264044.1, residues 991-1011): ATHLEIKNYQ[Asn1001Ser]DMDNMLGLAE

ClinVar aggregate classification (germline): Uncertain significance. Review status: criteria provided, multiple submitters, no conflicts (2 of 4 stars). 3 submissions from 3 submitters: Uncertain significance (3). Last evaluated 2025-01-02.

Conditions:
Primary ciliary dyskinesia. Also called: Ciliary dyskinesia. Identifiers: Orphanet 244, MedGen C0008780, MONDO:0016575, HP:0012265.

Allele frequency attached by ClinVar (database versions not stated): gnomAD 0.00001; TOPMed 0.00002; gnomAD exomes 0.00003.
gnomAD v4.1: 44 of 1,601,588 alleles (0.0027%); highest among the groups gnomAD compares: Non-Finnish European, 0.0037%; no homozygotes.

Submissions (3):

GeneDx
Classification: Uncertain significance. Last evaluated: 2025-01-02. Review status: criteria provided, single submitter. Criteria: GeneDx Variant Classification Process June 2021. Collection method: clinical testing. Allele origin: germline. Affected: yes.
Comment: Not observed at significant frequency in large population cohorts (gnomAD); In silico analysis indicates that this missense variant does not alter protein structure/function; Has not been previously published as pathogenic or benign to our knowledge

Labcorp Genetics (formerly Invitae), Labcorp
Classification: Uncertain significance for Primary ciliary dyskinesia. Last evaluated: 2024-10-29. Review status: criteria provided, single submitter. Criteria: Invitae Variant Classification Sherloc (09022015). Collection method: clinical testing. Allele origin: germline.
Comment: This sequence change replaces asparagine, which is neutral and polar, with serine, which is neutral and polar, at codon 1001 of the DNAH11 protein (p.Asn1001Ser). This variant is not present in population databases (gnomAD no frequency). This variant has not been reported in the literature in individuals affected with DNAH11-related conditions. ClinVar contains an entry for this variant (Variation ID: 1798708). An algorithm developed to predict the effect of missense changes on protein structure and function outputs the following: PolyPhen-2: "Benign". The serine amino acid residue is found in multiple mammalian species, which suggests that this missense change does not adversely affect protein function. In summary, the available evidence is currently insufficient to determine the role of this variant in disease. Therefore, it has been classified as a Variant of Uncertain Significance.

Ambry Genetics
Classification: Uncertain significance for Primary ciliary dyskinesia. Last evaluated: 2022-08-16. Review status: criteria provided, single submitter. Criteria: Ambry Variant Classification Scheme 2023. Collection method: clinical testing. Allele origin: germline.
Comment: The p.N1001S variant (also known as c.3002A>G), located in coding exon 16 of the DNAH11 gene, results from an A to G substitution at nucleotide position 3002. The asparagine at codon 1001 is replaced by serine, an amino acid with highly similar properties. This amino acid position is conserved. In addition, this alteration is predicted to be tolerated by in silico analysis. Since supporting evidence is limited at this time, the clinical significance of this alteration remains unclear.